The following is an entry in ClinVar:

NM_002241.5(KCNJ10):c.1087G>C (p.Glu363Gln)

Gene: KCNJ10 (potassium inwardly rectifying channel subfamily J member 10; minus strand). Cytogenetic location: 1q23.2.
Variant type: single nucleotide variant.
Coding change: c.1087G>C on transcript NM_002241.5 (MANE Select); coding-DNA position 1087, G replaced by C.
Protein change: p.Glu363Gln; replaces glutamic acid 363 with glutamine.
Molecular consequence: missense variant.
Genome position (GRCh38, 1-based): chr1:160,041,446, C>G on the plus strand (G>C on the coding strand, the complement: KCNJ10 is on the minus strand). VCF-style: chr1-160041446-C-G. GRCh37 (hg19) VCF-style: chr1-160011236-C-G.
Other names: short protein forms E363Q.
Identifiers: ClinVar variation 1366335 (VCV001366335.8), dbSNP rs2101924556, ClinGen allele CA343222076.

ClinVar aggregate classification (germline): Uncertain significance (1 of 4 stars; one submission).

Conditions:
EAST syndrome (SESAMES). Also called: SEIZURES, SENSORINEURAL DEAFNESS, ATAXIA, IMPAIRED INTELLECTUAL DEVELOPMENT, AND ELECTROLYTE IMBALANCE. Identifiers: Orphanet 199343, MedGen C2748572, MONDO:0013005, OMIM 612780.

Submission:

Labcorp Genetics (formerly Invitae), Labcorp
Classification: Uncertain significance for EAST syndrome. Last evaluated: 2021-07-08. Review status: criteria provided, single submitter. Criteria: Invitae Variant Classification Sherloc (09022015). Collection method: clinical testing. Allele origin: germline.
Comment: This sequence change replaces glutamic acid with glutamine at codon 363 of the KCNJ10 protein (p.Glu363Gln). The glutamic acid residue is moderately conserved and there is a small physicochemical difference between glutamic acid and glutamine. This variant is not present in population databases (ExAC no frequency). This variant has not been reported in the literature in individuals affected with KCNJ10-related conditions. Algorithms developed to predict the effect of missense changes on protein structure and function (SIFT, PolyPhen-2, Align-GVGD) all suggest that this variant is likely to be tolerated. In summary, the available evidence is currently insufficient to determine the role of this variant in disease. Therefore, it has been classified as a Variant of Uncertain Significance.